The following is an entry in ClinVar:

ClinVar aggregate classification (germline): Uncertain significance (1 of 4 stars; one submission).

Conditions:
TANC2-related disorder. Also called: TANC2-related condition.

gnomAD v4.1: 2 of 1,613,730 alleles (0.00012%); highest among the groups gnomAD compares: Non-Finnish European, 0.00017%; no homozygotes.

Submission:

PreventionGenetics, part of Exact Sciences
Classification: Uncertain significance for TANC2-related condition. Last evaluated: 2025-08-12. Review status: criteria provided, single submitter. Criteria: ACMG Guidelines, 2015. Collection method: clinical testing. Allele origin: germline.
Comment: The TANC2 c.2196T>G variant is predicted to result in the amino acid substitution p.Ile732Met. To our knowledge, this variant has not been reported in the literature or in a large population database (gnomAD), indicating this variant is rare. At this time, the clinical significance of this variant is uncertain due to the absence of conclusive functional and genetic evidence.

NM_001394998.1(TANC2):c.2418T>G (p.Ile806Met)

Gene: TANC2 (tetratricopeptide repeat, ankyrin repeat and coiled-coil containing 2; plus strand). Cytogenetic location: 17q23.3.
Variant type: single nucleotide variant.
Coding change: c.2418T>G on transcript NM_001394998.1 (MANE Select); coding-DNA position 2418, T replaced by G.
Protein change: p.Ile806Met; replaces isoleucine 806 with methionine.
Molecular consequence: missense variant.
Genome position (GRCh38, 1-based): chr17:63,355,226, T>G. VCF-style: chr17-63355226-T-G. GRCh37 (hg19) VCF-style: chr17-61432587-T-G.
Other names: c.2196T>G, p.Ile732Met (NM_001411076.1, NM_025185.4); short protein forms I732M, I806M.
Identifiers: ClinVar variation 4997546 (VCV004997546.1).
Genomic context (GRCh38, chr17:63,355,226, plus strand): 5'-GGCCTCTCTCCACCCACTGACTGATGAGCATATCTTCCAGGCCATCAATGCTGGGAGCAT[T>G]GAAGGCACACTAGAATGGGAGGATTTTCAGCAGAGAATGGAGAACCTCTCCATGTTCCTA-3'
Protein context (NP_001381927.1, residues 796-816): HIFQAINAGS[Ile806Met]EGTLEWEDFQ